The following is an entry in ClinVar:

ClinVar aggregate classification (germline): Likely benign. Review status: criteria provided, multiple submitters, no conflicts (2 of 4 stars). 4 submissions from 4 submitters: Likely benign (4). Last evaluated 2025-11-03.

Conditions:
Facial dysmorphism-immunodeficiency-livedo-short stature syndrome. Also called: Facial dysmorphism, immunodeficiency, livedo, and short stature; FILS syndrome. Identifiers: Orphanet 352712, MedGen C3554576, MONDO:0014058, OMIM 615139.
Intrauterine growth retardation, metaphyseal dysplasia, adrenal hypoplasia congenita, genital anomalies, and immunodeficiency. Also called: IMAGEI SYNDROME. Identifiers: MedGen C5193036, MONDO:0032684, OMIM 618336.
Colorectal cancer, susceptibility to, 12 (CRCS12). Also called: COLORECTAL CANCER, SUSCEPTIBILITY TO, ON CHROMOSOME 12q24. Identifiers: Orphanet 220460, MedGen C3554460, MONDO:0014038, OMIM 615083.
Hereditary cancer-predisposing syndrome. Also called: Neoplastic Syndromes, Hereditary; Tumor predisposition; Hereditary Cancer Syndrome; Hereditary neoplastic syndrome. Identifiers: Orphanet 140162, MedGen C0027672, MeSH D009386, MONDO:0015356.

Allele frequency attached by ClinVar (database versions not stated): gnomAD 0.00001 and 0.00002; gnomAD exomes 0.00001 and 0.00002; TOPMed 0.00001; ExAC 0.00003; 1000 Genomes Project 30x 0.00031; 1000 Genomes Project 0.00040.
gnomAD v4.1: 25 of 1,598,524 alleles (0.0016%); highest among the groups gnomAD compares: Middle Eastern, 0.017%; no homozygotes.

Submissions (4):

Labcorp Genetics (formerly Invitae), Labcorp
Classification: Likely benign. Last evaluated: 2025-11-03. Review status: criteria provided, single submitter. Criteria: Invitae Variant Classification Sherloc (09022015). Collection method: clinical testing. Allele origin: germline.

Department of Pathology and Laboratory Medicine, Sinai Health System
Classification: Likely benign for Colorectal cancer, susceptibility to, 12; Facial dysmorphism-immunodeficiency-livedo-short stature syndrome; Intrauterine growth retardation, metaphyseal dysplasia, adrenal hypoplasia congenita, genital anomalies, and immunodeficiency. Last evaluated: 2024-08-19. Review status: criteria provided, single submitter. Criteria: ACMG Guidelines, 2015. Collection method: clinical testing. Allele origin: germline.

GeneDx
Classification: Likely benign. Last evaluated: 2018-05-18. Review status: criteria provided, single submitter. Criteria: GeneDx Variant Classification (06012015). Collection method: clinical testing. Allele origin: germline. Affected: yes.
Comment: This variant is considered likely benign or benign based on one or more of the following criteria: it is a conservative change, it occurs at a poorly conserved position in the protein, it is predicted to be benign by multiple in silico algorithms, and/or has population frequency not consistent with disease.

Ambry Genetics
Classification: Likely benign for Hereditary cancer-predisposing syndrome. Last evaluated: 2017-07-20. Review status: criteria provided, single submitter. Criteria: Ambry Variant Classification Scheme 2023. Collection method: clinical testing. Allele origin: germline.

NM_006231.4(POLE):c.2043C>T (p.Ser681=)

Gene: POLE (DNA polymerase epsilon, catalytic subunit; minus strand). Cytogenetic location: 12q24.33.
Variant type: single nucleotide variant.
Coding change: c.2043C>T on transcript NM_006231.4 (MANE Select); coding-DNA position 2043, C replaced by T.
Protein change: p.Ser681=; no amino-acid change (serine 681 retained).
Molecular consequence: synonymous variant.
Genome position (GRCh38, 1-based): chr12:132,668,486, G>A on the plus strand (C>T on the coding strand, the complement: POLE is on the minus strand). VCF-style: chr12-132668486-G-A. GRCh37 (hg19) VCF-style: chr12-133245072-G-A.
Identifiers: ClinVar variation 473507 (VCV000473507.18), dbSNP rs554997781, ClinGen allele CA6893699.